The following is an entry in ClinVar:

NM_018699.4(PRDM5):c.963T>C (p.Asp321=)

Gene: PRDM5 (PR/SET domain 5; minus strand). Cytogenetic location: 4q27.
Variant type: single nucleotide variant.
Coding change: c.963T>C on transcript NM_018699.4 (MANE Select); coding-DNA position 963, T replaced by C.
Protein change: p.Asp321=; no amino-acid change (aspartic acid 321 retained).
Molecular consequence: synonymous variant.
Genome position (GRCh38, 1-based): chr4:120,799,728, A>G on the plus strand (T>C on the coding strand, the complement: PRDM5 is on the minus strand). VCF-style: chr4-120799728-A-G. GRCh37 (hg19) VCF-style: chr4-121720883-A-G.
Other names: p.Asp321=; c.870T>C, p.Asp290= (NM_001300823.2, NM_001300824.2, NM_001379106.1); c.963T>C, p.Asp321= (NM_001379104.1).
Identifiers: ClinVar variation 390576 (VCV000390576.15), dbSNP rs34666716, ClinGen allele CA3061200.

ClinVar aggregate classification (germline): Benign/Likely benign. Review status: criteria provided, multiple submitters, no conflicts (2 of 4 stars). 6 submissions from 6 submitters: Benign (5); Likely benign (1). Last evaluated 2026-02-02.

Conditions:
Cardiovascular phenotype. Identifiers: MedGen CN230736.

Allele frequency attached by ClinVar (database versions not stated): gnomAD exomes 0.00077 and 0.00235; ExAC 0.00306; gnomAD 0.00872 and 0.00939; TOPMed 0.00943; 1000 Genomes Project 0.00958; 1000 Genomes Project 30x 0.00984; ESP Exome Variant Server 0.01008.
gnomAD v4.1: 2,512 of 1,612,718 alleles (0.16%); highest among the groups gnomAD compares: African/African-American, 2.9%; 35 homozygotes.

Submissions (6):

Labcorp Genetics (formerly Invitae), Labcorp
Classification: Benign. Last evaluated: 2026-02-02. Review status: criteria provided, single submitter. Criteria: Invitae Variant Classification Sherloc (09022015). Collection method: clinical testing. Allele origin: germline.

Women's Health and Genetics/Laboratory Corporation of America, LabCorp
Classification: Likely benign. Last evaluated: 2026-01-22. Review status: criteria provided, single submitter. Criteria: LabCorp Variant Classification Summary - May 2015. Collection method: clinical testing. Allele origin: germline.

Mayo Clinic Laboratories, Mayo Clinic
Classification: Benign. Last evaluated: 2023-10-31. Review status: criteria provided, single submitter. Criteria: ACMG Guidelines, 2015. Collection method: clinical testing. Allele origin: germline. Observed: 5 variant alleles.
Comment: BS1, BS2, BP4, BP7

Ambry Genetics
Classification: Benign for Cardiovascular phenotype. Last evaluated: 2019-07-15. Review status: criteria provided, single submitter. Criteria: Ambry Variant Classification Scheme 2023. Collection method: clinical testing. Allele origin: germline.

GeneDx
Classification: Benign. Last evaluated: 2016-11-08. Review status: criteria provided, single submitter. Criteria: GeneDx Variant Classification (06012015). Collection method: clinical testing. Allele origin: germline. Affected: yes.
Comment: This variant is considered likely benign or benign based on one or more of the following criteria: it is a conservative change, it occurs at a poorly conserved position in the protein, it is predicted to be benign by multiple in silico algorithms, and/or has population frequency not consistent with disease.

Breakthrough Genomics
Classification: Benign. Review status: criteria provided, single submitter. Criteria: ACMG Guidelines, 2015. Collection method: not provided. Allele origin: germline. Inheritance: Autosomal recessive inheritance. Affected: yes.